The following is an entry in ClinVar:

ClinVar aggregate classification (germline): Likely benign. Review status: criteria provided, multiple submitters, no conflicts (2 of 4 stars). 3 submissions from 3 submitters: Likely benign (2). 1 of the submissions does not count toward it. Last evaluated 2025-12-14.

Conditions:
Nephronophthisis. Also called: Juvenile Nephronophthisis. Identifiers: Orphanet 655, MedGen C0687120, MONDO:0019005, HP:0000090.
Jeune thoracic dystrophy. Also called: Jeune syndrome; Infantile thoracic dystrophy; Thoracic pelvic phalangeal dystrophy; Jeune's syndrome; Chondroectodermal dysplasia-like syndrome; Short-rib thoracic dysplasia. Identifiers: Orphanet 474, MedGen C0265275, MONDO:0018770.
Nephrotic syndrome. Identifiers: MedGen C0027726, MONDO:0005377, HP:0000100.

Allele frequency attached by ClinVar (database versions not stated): gnomAD 0.00001; gnomAD exomes 0.00001 and 0.00006; TOPMed 0.00002; ExAC 0.00006.
gnomAD v4.1: 19 of 1,613,970 alleles (0.0012%); highest among the groups gnomAD compares: East Asian, 0.036%; no homozygotes.

Submissions (3):

Labcorp Genetics (formerly Invitae), Labcorp
Classification: Likely benign for Jeune thoracic dystrophy; Nephronophthisis. Last evaluated: 2025-12-14. Review status: criteria provided, single submitter. Criteria: Invitae Variant Classification Sherloc (09022015). Collection method: clinical testing. Allele origin: germline.

Blueprint Genetics
Classification: Likely benign. Last evaluated: 2022-07-18. Review status: criteria provided, single submitter. Criteria: ACMG Guidelines, 2015. Collection method: clinical testing. Allele origin: germline.

Sydney Genome Diagnostics, Children's Hospital Westmead
Classification: Uncertain significance for Nephrotic syndrome. Last evaluated: 2018-05-30. Review status: no assertion criteria provided. Collection method: clinical testing. Allele origin: unknown. Affected: yes. Observed: 1 variant allele, 1 heterozygote. Not counted in ClinVar's aggregate classification.
Comment: To our knowledge, this variant has not been previously reported in the literature to be associated with disease. It has been listed in Exome Aggregation Consortium (ExAC) with an allelic frequency of 0.08% in the East Asian population (7/8596 alleles). p.Ile1208, is a highly conserved amino acid (up to 11 species) however there is only a small physicochemical difference between the wild type isoleucine and mutant valine. In silico analysis (Alamut Visual v2.8) is inconclusive regarding this variant, Mutation Taster predicts that this variant is likely to be pathogenic whereas PolyPhen2 and SIFT predict that this variant is likely to be benign. This variant is considered to be a VOUS according to the ACMG guidelines.

NM_024753.5(TTC21B):c.3622A>G (p.Ile1208Val)

Gene: TTC21B (tetratricopeptide repeat domain 21B; minus strand). Cytogenetic location: 2q24.3.
Variant type: single nucleotide variant.
Coding change: c.3622A>G on transcript NM_024753.5 (MANE Select); coding-DNA position 3622, A replaced by G.
Protein change: p.Ile1208Val; replaces isoleucine 1208 with valine.
Molecular consequence: missense variant.
Genome position (GRCh38, 1-based): chr2:165,883,856, T>C on the plus strand (A>G on the coding strand, the complement: TTC21B is on the minus strand). VCF-style: chr2-165883856-T-C. GRCh37 (hg19) VCF-style: chr2-166740366-T-C.
Other names: short protein forms I1208V.
Identifiers: ClinVar variation 988210 (VCV000988210.9), dbSNP rs760982788, ClinGen allele CA1941464.